The following is an entry in ClinVar:

NM_000069.3(CACNA1S):c.2361-269A>C

Gene: CACNA1S (calcium voltage-gated channel subunit alpha1 S; minus strand). Cytogenetic location: 1q32.1.
Variant type: single nucleotide variant.
Coding change: c.2361-269A>C on transcript NM_000069.3 (MANE Select); 269 bases into the intron before coding-DNA position 2361, A replaced by C.
Molecular consequence: intron variant.
Genome position (GRCh38, 1-based): chr1:201,069,870, T>G on the plus strand (A>C on the coding strand, the complement: CACNA1S is on the minus strand). VCF-style: chr1-201069870-T-G. GRCh37 (hg19) VCF-style: chr1-201038998-T-G.
Identifiers: ClinVar variation 673919 (VCV000673919.1), dbSNP rs147061115, ClinGen allele CA35973790.
Genomic context (GRCh38, chr1:201,069,870, plus strand): 5'-TCCCAGCCAAGCCCCTCCCACCACCTGCCCCTTCCTGCAATTATGGCACCACCCTGAGGT[T>G]TCCCATCAAATGAAAATGGGACAGGCTGGTCTCTATCCATGAGGCAGACAGATGAAACTC-3'

ClinVar aggregate classification (germline): Likely benign (1 of 4 stars; one submission).

Allele frequency attached by ClinVar (database versions not stated): gnomAD 0.00740 and 0.00802; 1000 Genomes Project 0.00799; TOPMed 0.00855; 1000 Genomes Project 30x 0.00859.
gnomAD v4.1: 1,114 of 152,278 alleles (0.73%); highest among the groups gnomAD compares: African/African-American, 2.6%; 10 homozygotes.

Submission:

GeneDx
Classification: Likely benign. Last evaluated: 2018-06-18. Review status: criteria provided, single submitter. Criteria: GeneDx Variant Classification (06012015). Collection method: clinical testing. Allele origin: germline. Affected: yes.
Comment: This variant is considered likely benign or benign based on one or more of the following criteria: it is a conservative change, it occurs at a poorly conserved position in the protein, it is predicted to be benign by multiple in silico algorithms, and/or has population frequency not consistent with disease.